The following is an entry in ClinVar:

ClinVar aggregate classification (germline): Uncertain significance (1 of 4 stars; one submission).

Conditions:
Charcot-Marie-Tooth disease, type I (CMT1). Also called: Charcot-Marie-Tooth, Type 1; Charcot-Marie-Tooth disease type 1. Identifiers: Orphanet 65753, MedGen C0751036, MONDO:0019011.

Allele frequency attached by ClinVar (database versions not stated): gnomAD 0.00001; gnomAD exomes 0.00001; ExAC 0.00003; 1000 Genomes Project 30x 0.00031; 1000 Genomes Project 0.00040.
gnomAD v4.1: 11 of 1,588,772 alleles (0.00069%); highest among the groups gnomAD compares: African/African-American, 0.0027%; no homozygotes.

Submission:

Labcorp Genetics (formerly Invitae), Labcorp
Classification: Uncertain significance for Charcot-Marie-Tooth disease, type I. Last evaluated: 2020-10-30. Review status: criteria provided, single submitter. Criteria: Invitae Variant Classification Sherloc (09022015). Collection method: clinical testing. Allele origin: germline.
Comment: In summary, the available evidence is currently insufficient to determine the role of this variant in disease. Therefore, it has been classified as a Variant of Uncertain Significance. Algorithms developed to predict the effect of missense changes on protein structure and function output the following: SIFT: "Tolerated"; PolyPhen-2: "Not Available"; Align-GVGD: "Class C0". The valine amino acid residue is found in multiple mammalian species, suggesting that this missense change does not adversely affect protein function. These predictions have not been confirmed by published functional studies and their clinical significance is uncertain. This variant has not been reported in the literature in individuals with MPZ-related conditions. This variant is present in population databases (rs145285010, ExAC 0.02%). This sequence change replaces isoleucine with valine at codon 13 of the MPZ protein (p.Ile13Val). The isoleucine residue is moderately conserved and there is a small physicochemical difference between isoleucine and valine.

NM_000530.8(MPZ):c.37A>G (p.Ile13Val)

Gene: MPZ (myelin protein zero; minus strand). Cytogenetic location: 1q23.3.
Variant type: single nucleotide variant.
Coding change: c.37A>G on transcript NM_000530.8 (MANE Select); coding-DNA position 37, A replaced by G.
Protein change: p.Ile13Val; replaces isoleucine 13 with valine.
Molecular consequence: missense variant.
Genome position (GRCh38, 1-based): chr1:161,309,869, T>C on the plus strand (A>G on the coding strand, the complement: MPZ is on the minus strand). VCF-style: chr1-161309869-T-C. GRCh37 (hg19) VCF-style: chr1-161279659-T-C.
Other names: c.37A>G, p.Ile13Val (NM_001315491.2); short protein forms I13V.
Identifiers: ClinVar variation 1509862 (VCV001509862.8), dbSNP rs145285010, ClinGen allele CA1210254.